The following is an entry in ClinVar:

ClinVar aggregate classification (germline): Uncertain significance. Review status: criteria provided, multiple submitters, no conflicts (2 of 4 stars). 2 submissions from 2 submitters: Uncertain significance (2). Last evaluated 2025-02-08.

Conditions:
Inborn genetic diseases. Identifiers: MedGen C0950123, MeSH D030342.

Allele frequency attached by ClinVar (database versions not stated): TOPMed 0.00001.
gnomAD v4.1: 10 of 1,602,904 alleles (0.00062%); highest among the groups gnomAD compares: Non-Finnish European, 0.00085%; no homozygotes.

Submissions (2):

Ambry Genetics
Classification: Uncertain significance for Inborn genetic diseases. Last evaluated: 2025-02-08. Review status: criteria provided, single submitter. Criteria: Ambry Variant Classification Scheme 2023. Collection method: clinical testing. Allele origin: germline.

GeneDx
Classification: Uncertain significance. Last evaluated: 2017-07-25. Review status: criteria provided, single submitter. Criteria: GeneDx Variant Classification (06012015). Collection method: clinical testing. Allele origin: germline. Affected: yes.
Comment: The V553L variant in the TGM6 gene has not been reported previously as a pathogenic variant, nor as a benign variant, to our knowledge. The V553L variant is not observed in large population cohorts (Lek et al., 2016; 1000 Genomes Consortium et al., 2015; Exome Variant Server). The V553L variant is a conservative amino acid substitution, which is not likely to impact secondary protein structure as these residues share similar properties. This substitution occurs at a position where amino acids with similar properties to Valine are tolerated across species. In silico analysis predicts this variant likely does not alter the protein structure/function. We interpret V553L as a variant of uncertain significance.

NM_198994.3(TGM6):c.1657G>T (p.Val553Leu)

Gene: TGM6 (transglutaminase 6; plus strand). Cytogenetic location: 20p13.
Variant type: single nucleotide variant.
Coding change: c.1657G>T on transcript NM_198994.3 (MANE Select); coding-DNA position 1657, G replaced by T.
Protein change: p.Val553Leu; replaces valine 553 with leucine.
Molecular consequence: missense variant.
Genome position (GRCh38, 1-based): chr20:2,417,552, G>T. VCF-style: chr20-2417552-G-T. GRCh37 (hg19) VCF-style: chr20-2398198-G-T.
Other names: c.1657G>T, p.Val553Leu (NM_001254734.2); short protein forms V553L.
Identifiers: ClinVar variation 450576 (VCV000450576.3), dbSNP rs74338361, ClinGen allele CA408015543.